The following is an entry in ClinVar:

NM_006351.4(TIMM44):c.396C>T (p.Ser132=)

Gene: TIMM44 (translocase of inner mitochondrial membrane 44; minus strand). Cytogenetic location: 19p13.2.
Variant type: single nucleotide variant.
Coding change: c.396C>T on transcript NM_006351.4 (MANE Select); coding-DNA position 396, C replaced by T.
Protein change: p.Ser132=; no amino-acid change (serine 132 retained).
Molecular consequence: synonymous variant.
Genome position (GRCh38, 1-based): chr19:7,934,236, G>A on the plus strand (C>T on the coding strand, the complement: TIMM44 is on the minus strand). VCF-style: chr19-7934236-G-A. GRCh37 (hg19) VCF-style: chr19-7999121-G-A.
Other names: p.S132S:AGC>AGT.
Identifiers: ClinVar variation 137640 (VCV000137640.6), dbSNP rs55715900, ClinGen allele CA291283.

ClinVar aggregate classification (germline): Benign. Review status: criteria provided, multiple submitters, no conflicts (2 of 4 stars). 3 submissions from 3 submitters: Benign (2). 1 of the submissions does not count toward it. Last evaluated 2013-09-30.

Allele frequency attached by ClinVar (database versions not stated): 1000 Genomes Project 30x 0.00796; 1000 Genomes Project 0.00839; ExAC 0.01749; TOPMed 0.01759; gnomAD 0.01798; ESP Exome Variant Server 0.01822.
gnomAD v4.1: 36,671 of 1,611,664 alleles (2.3%); highest among the groups gnomAD compares: Non-Finnish European, 2.7%; 509 homozygotes.

Submissions (3):

GeneDx
Classification: Benign. Last evaluated: 2013-09-30. Review status: criteria provided, single submitter. Criteria: GeneDx Variant Classification (06012015). Collection method: clinical testing. Allele origin: germline. Affected: yes.
Comment: This variant is considered likely benign or benign based on one or more of the following criteria: it is a conservative change, it occurs at a poorly conserved position in the protein, it is predicted to be benign by multiple in silico algorithms, and/or has population frequency not consistent with disease.

Breakthrough Genomics
Classification: Benign. Review status: criteria provided, single submitter. Criteria: ACMG Guidelines, 2015. Collection method: not provided. Allele origin: germline. Inheritance: Unknown mechanism. Affected: yes.

Mayo Clinic Laboratories, Mayo Clinic
Classification: Benign. Last evaluated: 2016-02-23. Review status: no assertion criteria provided. Collection method: clinical testing. Allele origin: unknown. Not counted in ClinVar's aggregate classification.